The following is an entry in ClinVar:

ClinVar aggregate classification (germline): Uncertain significance. Review status: criteria provided, multiple submitters, no conflicts (2 of 4 stars). 2 submissions from 2 submitters: Uncertain significance (2). Last evaluated 2022-08-24.

Conditions:
Hereditary cancer-predisposing syndrome. Also called: Hereditary Cancer Syndrome; Hereditary neoplastic syndrome; Neoplastic Syndromes, Hereditary; Tumor predisposition. Identifiers: Orphanet 140162, MedGen C0027672, MeSH D009386, MONDO:0015356.
Familial melanoma. Also called: Hereditary melanoma; Hereditary cutaneous melanoma. Identifiers: Orphanet 618, MedGen C1512419, MONDO:0018961.

Submissions (2):

Ambry Genetics
Classification: Uncertain significance for Hereditary cancer-predisposing syndrome. Last evaluated: 2022-08-24. Review status: criteria provided, single submitter. Criteria: Ambry Variant Classification Scheme 2023. Collection method: clinical testing. Allele origin: germline.
Comment: The p.D97H variant (also known as c.289G>C), located in coding exon 2 of the CDK4 gene, results from a G to C substitution at nucleotide position 289. The aspartic acid at codon 97 is replaced by histidine, an amino acid with similar properties. This amino acid position is well conserved in available vertebrate species. In addition, the in silico prediction for this alteration is inconclusive. Since supporting evidence is limited at this time, the clinical significance of this alteration remains unclear.

Labcorp Genetics (formerly Invitae), Labcorp
Classification: Uncertain significance for Familial melanoma. Last evaluated: 2016-09-07. Review status: criteria provided, single submitter. Criteria: Invitae Variant Classification Sherloc (09022015). Collection method: clinical testing. Allele origin: germline.
Comment: Algorithms developed to predict the effect of missense changes on protein structure and function do not agree on the potential impact of this missense change (SIFT: "Deleterious"; PolyPhen-2: "Possibly Damaging"; Align-GVGD: "Class C0"). This variant is not present in population databases (ExAC no frequency) and has not been reported in the literature in the germline of individuals with a CDK4-related disease. This sequence change replaces aspartic acid with histidine at codon 97 of the CDK4 protein (p.Asp97His). The aspartic acid residue is highly conserved and there is a moderate physicochemical difference between aspartic acid and histidine. In summary, this variant is a rare missense change with uncertain impact on protein function. It has been classified as a Variant of Uncertain Significance.

NM_000075.4(CDK4):c.289G>C (p.Asp97His)

Gene: CDK4 (cyclin dependent kinase 4; minus strand). Cytogenetic location: 12q14.1.
Variant type: single nucleotide variant.
Coding change: c.289G>C on transcript NM_000075.4 (MANE Select); coding-DNA position 289, G replaced by C.
Protein change: p.Asp97His; replaces aspartic acid 97 with histidine.
Molecular consequence: missense variant.
Genome position (GRCh38, 1-based): chr12:57,751,272, C>G on the plus strand (G>C on the coding strand, the complement: CDK4 is on the minus strand). VCF-style: chr12-57751272-C-G. GRCh37 (hg19) VCF-style: chr12-58145055-C-G.
Other names: short protein forms D97H.
Identifiers: ClinVar variation 408340 (VCV000408340.11), dbSNP rs1060501932, ClinGen allele CA16613769.